The following is an entry in ClinVar:

NM_006015.6(ARID1A):c.3331G>T (p.Glu1111Ter)

Gene: ARID1A (AT-rich interaction domain 1A; plus strand). Cytogenetic location: 1p36.11.
Variant type: single nucleotide variant.
Coding change: c.3331G>T on transcript NM_006015.6 (MANE Select); coding-DNA position 3331, G replaced by T.
Protein change: p.Glu1111Ter; replaces glutamic acid 1111 with a stop codon.
Molecular consequence: nonsense.
Genome position (GRCh38, 1-based): chr1:26,771,251, G>T. VCF-style: chr1-26771251-G-T. GRCh37 (hg19) VCF-style: chr1-27097742-G-T.
Other names: c.3331G>T, p.Glu1111Ter (NM_139135.4); short protein forms E1111*.
Identifiers: ClinVar variation 4530200 (VCV004530200.1).

ClinVar aggregate classification (somatic clinical impact): Tier II - Potential (1 of 4 stars; one submission).

Conditions:
Alveolar rhabdomyosarcoma (RMS2). Also called: RHABDOMYOSARCOMA 2; Alveolar rhabdomyosarcoma (disease). Identifiers: Orphanet 780, Orphanet 99756, MedGen C0206655, MONDO:0009994, OMIM 268220, HP:0006779.

Submission:

Institute for Genomic Medicine (IGM) Clinical Laboratory, Nationwide Children's Hospital
Classification: Tier II - Potential for Alveolar rhabdomyosarcoma. Assertion type: diagnostic. Clinical significance: supports diagnosis. Last evaluated: 2023-09-12. Review status: criteria provided, single submitter. Criteria: AMP/ASCO/CAP Guidelines, 2017. Collection method: clinical testing. Allele origin: somatic. Affected: yes.
Comment: Variant has Tier II (potential) clinical significance as a diagnostic inclusion criterion in alveolar rhabdomyosarcoma, based on the following evidence: 1) Diagnostic significance based on multiple small studies (Evidence Level C; PMIDs: 24436047, 34166060, 26138366).

Literature cited by the submitters: PubMed 24436047; PubMed 34166060; PubMed 26138366.